The following is an entry in ClinVar:

ClinVar aggregate classification (germline): Likely benign (1 of 4 stars; one submission).

Submission:

Mayo Clinic Laboratories, Mayo Clinic
Classification: Likely benign. Last evaluated: 2025-10-13. Review status: criteria provided, single submitter. Criteria: ACMG Guidelines, 2015. Collection method: clinical testing. Allele origin: germline. Observed: 2 variant alleles.
Comment: BS2_supporting, BP1

NM_005666.4(CFHR2):c.275T>A (p.Val92Glu)

Gene: CFHR2 (complement factor H related 2; plus strand). Cytogenetic location: 1q31.3.
Variant type: single nucleotide variant.
Coding change: c.275T>A on transcript NM_005666.4 (MANE Select); coding-DNA position 275, T replaced by A.
Protein change: p.Val92Glu; replaces valine 92 with glutamic acid.
Molecular consequence: missense variant. On other transcripts: intron variant (1).
Genome position (GRCh38, 1-based): chr1:196,950,873, T>A. VCF-style: chr1-196950873-T-A. GRCh37 (hg19) VCF-style: chr1-196920003-T-A.
Other names: p.Val92Glu; c.80T>A, p.Val27Glu (NM_001410924.1); c.58+6935T>A (NM_001312672.1); short protein forms V27E, V92E.
Identifiers: ClinVar variation 4684016 (VCV004684016.1).